The following is an entry in ClinVar:

NM_138636.5(TLR8):c.3108T>C (p.Asp1036=)

Genes: TLR8 (toll like receptor 8; plus strand), TLR8-AS1 (TLR8 antisense RNA 1; minus strand). Cytogenetic location: Xp22.2.
Variant type: single nucleotide variant.
Coding change: c.3108T>C on transcript NM_138636.5 (MANE Select); coding-DNA position 3108, T replaced by C.
Protein change: p.Asp1036=; no amino-acid change (aspartic acid 1036 retained).
Molecular consequence: synonymous variant.
Genome position (GRCh38, 1-based): chrX:12,922,148, T>C. VCF-style: chrX-12922148-T-C. GRCh37 (hg19) VCF-style: chrX-12940267-T-C.
Other names: c.3162T>C, p.Asp1054= (NM_016610.4).
Identifiers: ClinVar variation 5038849 (VCV005038849.1).
Genomic context (GRCh38, chrX:12,922,148, plus strand): 5'-AACTCTGAGAAATGTGGTCTTGACTGAAAATGATTCACGGTATAACAATATGTATGTCGA[T>C]TCCATTAAGCAATACTAACTGACGTTAAGTCATGATTTCGCGCCATAATAAAGATGCAAA-3'
Protein context (NP_619542.1, residues 1026-1041): NDSRYNNMYV[Asp1036=]SIKQY

ClinVar aggregate classification (germline): Likely benign (1 of 4 stars; one submission).

gnomAD v4.1: 312 of 1,200,494 alleles (0.026%); highest among the groups gnomAD compares: African/African-American, 0.44%; 3 homozygotes.

Submission:

CeGaT Center for Human Genetics Tuebingen
Classification: Likely benign. Last evaluated: 2026-07-01. Review status: criteria provided, single submitter. Criteria: CeGaT Center For Human Genetics Tuebingen Variant Classification Criteria Version 2. Collection method: clinical testing. Allele origin: germline. Affected: yes. Observed: 1 variant allele.
Comment: TLR8: BP4, BP7, BS2